The following is an entry in ClinVar:

NM_000257.4(MYH7):c.1139-14C>T

Gene: MYH7 (myosin heavy chain 7; minus strand). Cytogenetic location: 14q11.2.
Variant type: single nucleotide variant.
Coding change: c.1139-14C>T on transcript NM_000257.4 (MANE Select); 14 bases into the intron before coding-DNA position 1139, C replaced by T.
Molecular consequence: intron variant.
Genome position (GRCh38, 1-based): chr14:23,429,361, G>A on the plus strand (C>T on the coding strand, the complement: MYH7 is on the minus strand). VCF-style: chr14-23429361-G-A. GRCh37 (hg19) VCF-style: chr14-23898570-G-A.
Identifiers: ClinVar variation 42825 (VCV000042825.14), dbSNP rs397516091, ClinGen allele CA010264.

ClinVar aggregate classification (germline): Conflicting classifications of pathogenicity. Review status: criteria provided, conflicting classifications (1 of 4 stars). 3 submissions from 3 submitters: Uncertain significance (1); Likely benign (2). Last evaluated 2025-03-31.

Conditions:
Cardiomyopathy (CMYO). Also called: Cardiomyopathies. Identifiers: Orphanet 167848, MedGen C0878544, MONDO:0004994, HP:0001638. Inheritance: Various modes of inheritance.
Hypertrophic cardiomyopathy. Also called: HYPERTROPHIC MYOCARDIOPATHY. Identifiers: Orphanet 217569, MedGen C0007194, MeSH D002312, MONDO:0005045, HP:0001639.

Allele frequency attached by ClinVar (database versions not stated): gnomAD 0.00003 and 0.00001; TOPMed 0.00001; ExAC 0.00003.
gnomAD v4.1: 38 of 1,609,332 alleles (0.0024%); highest among the groups gnomAD compares: Middle Eastern, 0.033%; no homozygotes.

Submissions (3):

Labcorp Genetics (formerly Invitae), Labcorp
Classification: Likely benign for Hypertrophic cardiomyopathy. Last evaluated: 2025-03-31. Review status: criteria provided, single submitter. Criteria: Invitae Variant Classification Sherloc (09022015). Collection method: clinical testing. Allele origin: germline.

Color Diagnostics, LLC DBA Color Health
Classification: Likely benign for Cardiomyopathy. Last evaluated: 2018-10-16. Review status: criteria provided, single submitter. Criteria: ACMG Guidelines, 2015. Collection method: clinical testing. Allele origin: germline.

Laboratory for Molecular Medicine, Mass General Brigham Personalized Medicine
Classification: Uncertain significance. Last evaluated: 2013-07-18. Review status: criteria provided, single submitter. Criteria: LMM Criteria. Collection method: clinical testing. Allele origin: germline. Observed: 2 variant alleles.
Comment: This variant is located in the 3' splice region. Computational too ls do not suggest an impact to splicing, though this information is not predicti ve enough to rule out pathogenicity. Additional information is needed to fully a ssess the clinical significance of this variant.